The following is an entry in ClinVar:

NM_001352754.2(ARMC9):c.1269GGA[2] (p.Glu425del)

Gene: ARMC9 (armadillo repeat containing 9; plus strand). Cytogenetic location: 2q37.1.
Variant type: Microsatellite.
Coding change: c.1269GGA[2] on transcript NM_001352754.2 (MANE Select); two copies in a row of the 3-base unit GGA starting at c.1269; the reference has three copies in a row; one copy, 3 bases deleted.
Protein change: p.Glu425del; deletes glutamic acid 425.
Molecular consequence: inframe deletion. On other transcripts: non-coding transcript variant (1).
Genome position (GRCh38, 1-based): chr2:231,273,019-231,273,021, GGA deleted; deleting any 3 consecutive bases within chr2:231,273,012-231,273,021 gives the same sequence; the position shown is the placement nearest the transcript's 3' end. VCF-style (leftmost placement, unchanged base first): chr2-231273011-AAGG-A. GRCh37 (hg19) VCF-style: chr2-232137724-AAGG-A.
Other names: c.1269GGA[2], p.Glu425del (NM_001271466.4, NM_001291656.2, NM_001352755.2 and 3 more transcripts); c.1170GGA[2], p.Glu392del (NM_001352757.2, NM_001352758.2); short protein forms E425del, E392del.
Identifiers: ClinVar variation 1963166 (VCV001963166.2), dbSNP rs760420946, ClinGen allele CA2160269.

ClinVar aggregate classification (germline): Uncertain significance (1 of 4 stars; one submission).

Submission:

Labcorp Genetics (formerly Invitae), Labcorp
Classification: Uncertain significance. Last evaluated: 2022-07-23. Review status: criteria provided, single submitter. Criteria: Invitae Variant Classification Sherloc (09022015). Collection method: clinical testing. Allele origin: germline.
Comment: This variant, c.1275_1277del, results in the deletion of 1 amino acid(s) of the ARMC9 protein (p.Glu425del), but otherwise preserves the integrity of the reading frame. This variant is present in population databases (rs760420946, gnomAD 0.003%). This variant has not been reported in the literature in individuals affected with ARMC9-related conditions. Experimental studies and prediction algorithms are not available or were not evaluated, and the functional significance of this variant is currently unknown. In summary, the available evidence is currently insufficient to determine the role of this variant in disease. Therefore, it has been classified as a Variant of Uncertain Significance.